The following is an entry in ClinVar:

ClinVar aggregate classification (germline): Pathogenic. Review status: reviewed by expert panel (3 of 4 stars). 2 submissions from 2 submitters: Pathogenic (1). 1 of the submissions does not count toward it. Last evaluated 2016-10-18.

Conditions:
Breast-ovarian cancer, familial, susceptibility to, 2 (BROVCA2). Also called: BRCA2 Hereditary Breast and Ovarian Cancer. Identifiers: Orphanet 145, MedGen C2675520, MONDO:0012933, OMIM 612555. Disease mechanism: loss of function.

Submissions (2):

Evidence-based Network for the Interpretation of Germline Mutant Alleles (ENIGMA)
Classification: Pathogenic for Breast-ovarian cancer, familial, susceptibility to, 2. Last evaluated: 2016-10-18. Review status: reviewed by expert panel. Criteria: ENIGMA BRCA1/2 Classification Criteria (2015). Collection method: curation. Allele origin: germline.
Comment: Variant allele predicted to encode a truncated non-functional protein.

Consortium of Investigators of Modifiers of BRCA1/2 (CIMBA), c/o University of Cambridge
Classification: Pathogenic for Breast-ovarian cancer, familial, susceptibility to, 2. Last evaluated: 2015-10-02. Review status: criteria provided, single submitter. Criteria: CIMBA Mutation Classification guidelines May 2016. Collection method: clinical testing. Allele origin: germline. Not counted in ClinVar's aggregate classification.

NM_000059.4(BRCA2):c.7469del (p.Ile2490fs)

Gene: BRCA2 (BRCA2 DNA repair associated; plus strand). Cytogenetic location: 13q13.1.
Variant type: Deletion.
Coding change: c.7469del on transcript NM_000059.4 (MANE Select); coding-DNA position 7469, one base deleted (T; older notation c.7469delT).
Protein change: p.Ile2490fs; shifts the reading frame from isoleucine 2490.
Molecular consequence: frameshift variant.
Genome position (GRCh38, 1-based): chr13:32,356,461, T deleted. VCF-style (leftmost placement, unchanged base first): chr13-32356460-AT-A. GRCh37 (hg19) VCF-style: chr13-32930597-AT-A.
Other names: 7697delT; short protein forms I2490fs.
Identifiers: ClinVar variation 267012 (VCV000267012.5), dbSNP rs886040709, ClinGen allele CA10589429.